The following is an entry in ClinVar:

NM_001204.7(BMPR2):c.146del (p.Ser49fs)

Gene: BMPR2 (bone morphogenetic protein receptor type 2; plus strand). Cytogenetic location: 2q33.1.
Variant type: Deletion.
Coding change: c.146del on transcript NM_001204.7 (MANE Select); coding-DNA position 146, one base deleted (G; older notation c.146delG).
Protein change: p.Ser49fs; shifts the reading frame from serine 49.
Molecular consequence: frameshift variant.
Genome position (GRCh38, 1-based): chr2:202,464,878, G deleted. VCF-style (leftmost placement, unchanged base first): chr2-202464877-AG-A. GRCh37 (hg19) VCF-style: chr2-203329600-AG-A.
Other names: short protein forms S49fs.
Identifiers: ClinVar variation 1679483 (VCV001679483.7), dbSNP rs2105959713, ClinGen allele CA2573134351.
Genomic context (GRCh38, chr2:202,464,877, plus strand): 5'-AATCAAGAACGGCTATGTGCGTTTAAAGATCCGTATCAGCAAGACCTTGGGATAGGTGAG[AG>A]TAGAATCTCTCATGAAAATGGGACAATATTATGCTCGAAAGGTAGCACCTGCTATGGCCT-3'

ClinVar aggregate classification (germline): Pathogenic (1 of 4 stars; one submission).

Submission:

ARUP Laboratories, Molecular Genetics and Genomics, ARUP Laboratories
Classification: Pathogenic. Last evaluated: 2022-02-02. Review status: criteria provided, single submitter. Criteria: ARUP Molecular Germline Variant Investigation Process 2021. Collection method: clinical testing. Allele origin: germline.
Comment: The BMPR2 c.146delG; p.Ser49IlefsTer29variant, to our knowledge, is not reported in the medical literature or gene specific databases. This variant is also absent from the Genome Aggregation Database, indicating it is not a common polymorphism. This variant causes a frameshift by deleting a single nucleotide, so it is predicted to result in a truncated protein or mRNA subject to nonsense-mediated decay. Additionally, several downstream truncating variants have been described in individuals with pulmonary arterial hypertension and are considered pathogenic (Machado 2006, Zhu 2018). Based on available information, this variant is considered to be pathogenic. References: Machado RD et al. Mutations of the TGF-beta type II receptor BMPR2 in pulmonary arterial hypertension. Hum Mutat. 2006 Feb;27(2):121-32. PMID: 16429395. Zhu N et al. Exome Sequencing in Children With Pulmonary Arterial Hypertension Demonstrates Differences Compared With Adults. Circ Genom Precis Med. 2018 Apr;11(4):e001887. PMID: 29631995.